The following is an entry in ClinVar:

NM_001184880.2(PCDH19):c.1308del (p.Lys437fs)

Gene: PCDH19 (protocadherin 19; minus strand). Cytogenetic location: Xq22.1.
Variant type: Deletion.
Coding change: c.1308del on transcript NM_001184880.2 (MANE Select); coding-DNA position 1308, one base deleted (C; older notation c.1308delC).
Protein change: p.Lys437fs; shifts the reading frame from lysine 437.
Molecular consequence: frameshift variant.
Genome position (GRCh38, 1-based): chrX:100,407,290, G deleted on the plus strand (C on the coding strand, the reverse complement: PCDH19 is on the minus strand); the first of 2 consecutive G bases (chrX:100,407,290-100,407,291); deleting either gives the same sequence. VCF-style (leftmost placement, unchanged base first): chrX-100407289-TG-T. GRCh37 (hg19) VCF-style: chrX-99662287-TG-T.
Other names: K437SfsX132; c.1308del, p.Lys437fs (NM_001105243.2, NM_020766.3); short protein forms K437fs.
Identifiers: ClinVar variation 206355 (VCV000206355.1), dbSNP rs796052831, ClinGen allele CA316404.

ClinVar aggregate classification (germline): Pathogenic (1 of 4 stars; one submission).

Submission:

GeneDx
Classification: Pathogenic. Last evaluated: 2012-04-23. Review status: criteria provided, single submitter. Criteria: GeneDx Variant Classification (06012015). Collection method: clinical testing. Allele origin: germline. Affected: yes.
Comment: This variant is denoted c.1308delC: p.Lys437SerfsX132 (K437SfsX132) in exon 1 of the PCDH19 gene (NM_001105243.1). The c.1308delC mutation in the PCDH19 gene causes a frameshift starting with codon Lysine 437, changes this amino acid to a Serine residue and creates a premature Stop codon at position 137 of the new reading frame, denoted p.Lys437SerfsX132. This mutation is predicted to cause loss of normal protein function either through protein truncation or nonsense-mediated mRNA decay. Although this mutation has not been previously reported to our knowledge, its presence is consistent with a diagnosis of epilepsy and mental retardation limited to females (EFMR). The variant is found in INFANT-EPI panel(s).